The following is an entry in ClinVar:

NM_015978.3(TNNI3K):c.862G>A (p.Glu288Lys)

Genes: FPGT-TNNI3K (FPGT-TNNI3K readthrough; plus strand), TNNI3K (TNNI3 interacting kinase; plus strand). Cytogenetic location: 1p31.1.
Variant type: single nucleotide variant.
Coding change: c.862G>A on transcript NM_015978.3 (MANE Select); coding-DNA position 862, G replaced by A.
Protein change: p.Glu288Lys; replaces glutamic acid 288 with lysine.
Molecular consequence: missense variant.
Genome position (GRCh38, 1-based): chr1:74,343,109, G>A. VCF-style: chr1-74343109-G-A. GRCh37 (hg19) VCF-style: chr1-74808793-G-A.
Other names: c.1165G>A, p.Glu389Lys (NM_001112808.3, NM_001199327.2); short protein forms E288K, E389K.
Identifiers: ClinVar variation 2740085 (VCV002740085.3), dbSNP rs749356604, ClinGen allele CA909044.

ClinVar aggregate classification (germline): Uncertain significance (1 of 4 stars; one submission).

Allele frequency attached by ClinVar (database versions not stated): gnomAD 0.00005; TOPMed 0.00006.
gnomAD v4.1: 11 of 1,613,286 alleles (0.00068%); highest among the groups gnomAD compares: African/African-American, 0.011%; no homozygotes.

Submission:

Labcorp Genetics (formerly Invitae), Labcorp
Classification: Uncertain significance. Last evaluated: 2025-05-22. Review status: criteria provided, single submitter. Criteria: Invitae Variant Classification Sherloc (09022015). Collection method: clinical testing. Allele origin: germline.
Comment: This sequence change replaces glutamic acid, which is acidic and polar, with lysine, which is basic and polar, at codon 288 of the TNNI3K protein (p.Glu288Lys). This variant is present in population databases (rs749356604, gnomAD 0.02%). This variant has not been reported in the literature in individuals affected with TNNI3K-related conditions. ClinVar contains an entry for this variant (Variation ID: 2740085). Invitae Evidence Modeling of protein sequence and biophysical properties (such as structural, functional, and spatial information, amino acid conservation, physicochemical variation, residue mobility, and thermodynamic stability) indicates that this missense variant is not expected to disrupt TNNI3K protein function with a negative predictive value of 80%. In summary, the available evidence is currently insufficient to determine the role of this variant in disease. Therefore, it has been classified as a Variant of Uncertain Significance.